The following is an entry in ClinVar:

ClinVar aggregate classification (germline): Uncertain significance. Review status: criteria provided, multiple submitters, no conflicts (2 of 4 stars). 2 submissions from 2 submitters: Uncertain significance (2). Last evaluated 2021-03-02.

Conditions:
Long QT syndrome (LQTS). Identifiers: MedGen C0023976, MeSH D008133, MONDO:0002442. Disease mechanism: loss of function. Inheritance: Various modes of inheritance.

Allele frequency attached by ClinVar (database versions not stated): gnomAD 0.00001 and 0.00002; gnomAD exomes 0.00001; ExAC 0.00002; TOPMed 0.00002.
gnomAD v4.1: 19 of 1,614,000 alleles (0.0012%); highest among the groups gnomAD compares: South Asian, 0.0044%; no homozygotes.

Submissions (2):

Labcorp Genetics (formerly Invitae), Labcorp
Classification: Uncertain significance for Long QT syndrome. Last evaluated: 2021-03-02. Review status: criteria provided, single submitter. Criteria: Invitae Variant Classification Sherloc (09022015). Collection method: clinical testing. Allele origin: germline.
Comment: This sequence change replaces threonine with serine at codon 1234 of the ANK2 protein (p.Thr1234Ser). The threonine residue is highly conserved and there is a small physicochemical difference between threonine and serine. In summary, the available evidence is currently insufficient to determine the role of this variant in disease. Therefore, it has been classified as a Variant of Uncertain Significance. Algorithms developed to predict the effect of missense changes on protein structure and function are either unavailable or do not agree on the potential impact of this missense change (SIFT: "Tolerated"; PolyPhen-2: "Probably Damaging"; Align-GVGD: "Class C0"). This variant has not been reported in the literature in individuals with ANK2-related conditions. This variant is present in population databases (rs777976430, ExAC 0.006%).

GeneDx
Classification: Uncertain significance. Last evaluated: 2020-01-23. Review status: criteria provided, single submitter. Criteria: GeneDx Variant Classification Process June 2021. Collection method: clinical testing. Allele origin: germline. Affected: yes.
Comment: Has not been previously published as pathogenic or benign to our knowledge; Not observed at a significant frequency in large population cohorts (Lek et al., 2016); In silico analysis, which includes protein predictors and evolutionary conservation, supports a deleterious effect

NM_001148.6(ANK2):c.3701C>G (p.Thr1234Ser)

Gene: ANK2 (ankyrin 2; plus strand). Cytogenetic location: 4q26.
Variant type: single nucleotide variant.
Coding change: c.3701C>G on transcript NM_001148.6 (MANE Select); coding-DNA position 3701, C replaced by G.
Protein change: p.Thr1234Ser; replaces threonine 1234 with serine.
Molecular consequence: missense variant.
Genome position (GRCh38, 1-based): chr4:113,336,686, C>G. VCF-style: chr4-113336686-C-G. GRCh37 (hg19) VCF-style: chr4-114257842-C-G.
Other names: c.3674C>G, p.Thr1225Ser (NM_001127493.3); c.3713C>G, p.Thr1238Ser (NM_001354225.2); c.3602C>G, p.Thr1201Ser (NM_001354228.2, NM_001354258.2); c.3680C>G, p.Thr1227Ser (NM_001354230.2); c.3743C>G, p.Thr1248Ser (NM_001354231.2, NM_001354242.2); c.3737C>G, p.Thr1246Ser (NM_001354232.2); c.3698C>G, p.Thr1233Ser (NM_001354235.2, NM_001354246.2, NM_001354265.2); c.3599C>G, p.Thr1200Ser (NM_001354236.2); and 31 more; short protein forms T1073S, T1106S, T1134S, T1139S, T1147S, T1159S, T1163S, T1167S.
Identifiers: ClinVar variation 1318690 (VCV001318690.9), dbSNP rs777976430, ClinGen allele CA3050902.